The following is an entry in ClinVar:

NM_001099922.3(ALG13):c.3159G>A (p.Pro1053=)

Gene: ALG13 (ALG13 UDP-N-acetylglucosaminyltransferase subunit; plus strand). Cytogenetic location: Xq23.
Variant type: single nucleotide variant.
Coding change: c.3159G>A on transcript NM_001099922.3 (MANE Select); coding-DNA position 3159, G replaced by A.
Protein change: p.Pro1053=; no amino-acid change (proline 1053 retained).
Molecular consequence: synonymous variant. On other transcripts: non-coding transcript variant (1).
Genome position (GRCh38, 1-based): chrX:111,759,744, G>A. VCF-style: chrX-111759744-G-A. GRCh37 (hg19) VCF-style: chrX-111002972-G-A.
Other names: c.2610G>A, p.Pro870= (NM_001257230.2, NM_001257234.2, NM_001257237.2); c.2925G>A, p.Pro975= (NM_001257231.2); c.2922G>A, p.Pro974= (NM_001324292.2); c.2436G>A, p.Pro812= (NM_001324293.1).
Identifiers: ClinVar variation 515744 (VCV000515744.4), dbSNP rs1556539037, ClinGen allele CA518060316.

ClinVar aggregate classification (germline): Likely benign. Review status: criteria provided, multiple submitters, no conflicts (2 of 4 stars). 2 submissions from 2 submitters: Likely benign (2). Last evaluated 2023-03-07.

Conditions:
Developmental and epileptic encephalopathy, 36 (DEE36). Also called: ALG13-CDG; Congenital disorder of glycosylation, type Is; Epileptic encephalopathy, early infantile, 36. Identifiers: Orphanet 324422, MedGen C4317295, MONDO:0010472, OMIM 300884.

Allele frequency attached by ClinVar (database versions not stated): gnomAD exomes below 0.00001; gnomAD 0.00001; TOPMed 0.00003.
gnomAD v4.1: 5 of 1,201,966 alleles (0.00042%); highest among the groups gnomAD compares: Non-Finnish European, 0.00056%; no homozygotes.

Submissions (2):

Labcorp Genetics (formerly Invitae), Labcorp
Classification: Likely benign for Developmental and epileptic encephalopathy, 36. Last evaluated: 2023-03-07. Review status: criteria provided, single submitter. Criteria: Invitae Variant Classification Sherloc (09022015). Collection method: clinical testing. Allele origin: germline.

GeneDx
Classification: Likely benign. Last evaluated: 2018-03-01. Review status: criteria provided, single submitter. Criteria: GeneDx Variant Classification (06012015). Collection method: clinical testing. Allele origin: germline. Affected: yes.
Comment: This variant is considered likely benign or benign based on one or more of the following criteria: it is a conservative change, it occurs at a poorly conserved position in the protein, it is predicted to be benign by multiple in silico algorithms, and/or has population frequency not consistent with disease.